The following is an entry in ClinVar:

NM_015378.4(VPS13D):c.12820A>G (p.Ser4274Gly)

Gene: VPS13D (vacuolar protein sorting 13 homolog D; plus strand). Cytogenetic location: 1p36.21.
Variant type: single nucleotide variant.
Coding change: c.12820A>G on transcript NM_015378.4 (MANE Select); coding-DNA position 12820, A replaced by G.
Protein change: p.Ser4274Gly; replaces serine 4274 with glycine.
Molecular consequence: missense variant.
Genome position (GRCh38, 1-based): chr1:12,506,878, A>G. VCF-style: chr1-12506878-A-G. GRCh37 (hg19) VCF-style: chr1-12566932-A-G.
Other names: p.Ser4274Gly; c.12745A>G, p.Ser4249Gly (NM_018156.4); c.12820A>G (NM_015378.2); short protein forms S4249G, S4274G.
Identifiers: ClinVar variation 1941718 (VCV001941718.7), dbSNP rs766110624, ClinGen allele CA604326.
Genomic context (GRCh38, chr1:12,506,878, plus strand): 5'-AGGTGTCACTCCTGTGTTCCCGTCTCGCTTTGCAGCTTCATCGCTGTGGAGAACATTGAC[A>G]GCTACTGCGTGCTCATCTCCTCCAAAGCTGTTTACTTCCTGAAAAGTGGAGACTACGTGG-3'
Protein context (NP_056193.2, residues 4264-4284): EFFIAVENID[Ser4274Gly]YCVLISSKAV

ClinVar aggregate classification (germline): Uncertain significance. Review status: criteria provided, multiple submitters, no conflicts (2 of 4 stars). 3 submissions from 3 submitters: Uncertain significance (3). Last evaluated 2025-09-04.

Conditions:
Inborn genetic diseases. Identifiers: MedGen C0950123, MeSH D030342.

Allele frequency attached by ClinVar (database versions not stated): ExAC 0.00001; TOPMed 0.00001; gnomAD exomes 0.00002.
gnomAD v4.1: 11 of 1,614,276 alleles (0.00068%); highest among the groups gnomAD compares: Admixed American, 0.017%; no homozygotes.

Submissions (3):

Mayo Clinic Laboratories, Mayo Clinic
Classification: Uncertain significance. Last evaluated: 2025-09-04. Review status: criteria provided, single submitter. Criteria: ACMG Guidelines, 2015. Collection method: clinical testing. Allele origin: germline. Observed: 1 variant allele.
Comment: BP4_moderate

Ambry Genetics
Classification: Uncertain significance for Inborn genetic diseases. Last evaluated: 2025-08-21. Review status: criteria provided, single submitter. Criteria: Ambry Variant Classification Scheme 2023. Collection method: clinical testing. Allele origin: germline.

Labcorp Genetics (formerly Invitae), Labcorp
Classification: Uncertain significance. Last evaluated: 2022-03-25. Review status: criteria provided, single submitter. Criteria: Invitae Variant Classification Sherloc (09022015). Collection method: clinical testing. Allele origin: germline.
Comment: This sequence change replaces serine, which is neutral and polar, with glycine, which is neutral and non-polar, at codon 4274 of the VPS13D protein (p.Ser4274Gly). In summary, the available evidence is currently insufficient to determine the role of this variant in disease. Therefore, it has been classified as a Variant of Uncertain Significance. Algorithms developed to predict the effect of missense changes on protein structure and function are either unavailable or do not agree on the potential impact of this missense change (SIFT: "Not Available"; PolyPhen-2: "Probably Damaging"; Align-GVGD: "Not Available"). This variant has not been reported in the literature in individuals affected with VPS13D-related conditions. This variant is present in population databases (rs766110624, gnomAD 0.03%).